The following is an entry in ClinVar:

ClinVar aggregate classification (germline): Pathogenic (1 of 4 stars; one submission).

Conditions:
Glycine encephalopathy. Also called: Nonketotic hyperglycinemia; Non-ketotic hyperglycinemia. Identifiers: Orphanet 407, MedGen C0751748, MONDO:0011612, HP:0008288.

Submission:

Labcorp Genetics (formerly Invitae), Labcorp
Classification: Pathogenic for Glycine encephalopathy. Last evaluated: 2023-06-14. Review status: criteria provided, single submitter. Criteria: Invitae Variant Classification Sherloc (09022015). Collection method: clinical testing. Allele origin: unknown.
Comment: For these reasons, this variant has been classified as Pathogenic. This variant disrupts a region of the GLDC protein in which other variant(s) (p.Ala283Pro) have been determined to be pathogenic (PMID: 26179960, 27362913). This suggests that this is a clinically significant region of the protein, and that variants that disrupt it are likely to be disease-causing. This variant has not been reported in the literature in individuals affected with GLDC-related conditions. This variant is a gross deletion of the genomic region encompassing exon(s) 4-7 of the GLDC gene. This variant would be expected to be in-frame, preserving the integrity of the reading frame.

Literature cited by the submitters: PubMed 26179960; PubMed 27362913.

NC_000009.11:g.(?_6604568)_(6610376_?)del

Gene: GLDC (glycine decarboxylase; minus strand). Cytogenetic location: 9p24.1.
Variant type: Deletion.
Identifiers: ClinVar variation 3245157 (VCV003245157.1).